The following is an entry in ClinVar:

NM_017777.4(MKS1):c.262-84C>T

Gene: MKS1 (MKS transition zone complex subunit 1; minus strand). Cytogenetic location: 17q22.
Variant type: single nucleotide variant.
Coding change: c.262-84C>T on transcript NM_017777.4 (MANE Select); 84 bases into the intron before coding-DNA position 262, C replaced by T.
Molecular consequence: intron variant.
Genome position (GRCh38, 1-based): chr17:58,216,327, G>A on the plus strand (C>T on the coding strand, the complement: MKS1 is on the minus strand). VCF-style: chr17-58216327-G-A. GRCh37 (hg19) VCF-style: chr17-56293688-G-A.
Other names: c.-250-84C>T (NM_001321268.2); c.262-84C>T (NM_001330397.2, NM_001321269.2, NM_001411113.1).
Identifiers: ClinVar variation 3044418 (VCV003044418.2), dbSNP rs530234042, ClinGen allele CA292014821.

ClinVar aggregate classification (germline): Likely benign (0 of 4 stars; one submission).

Conditions:
MKS1-related disorder. Also called: MKS1-related disorders; MKS1-related condition. Identifiers: MedGen CN239382.

Allele frequency attached by ClinVar (database versions not stated): gnomAD exomes 0.00006; 1000 Genomes Project 0.00040; TOPMed 0.00049; gnomAD 0.00051; 1000 Genomes Project 30x 0.00062.
gnomAD v4.1: 166 of 1,427,270 alleles (0.012%); highest among the groups gnomAD compares: African/African-American, 0.18%; 1 homozygote.

Submission:

PreventionGenetics, part of Exact Sciences
Classification: Likely benign for MKS1-related condition. Last evaluated: 2021-05-11. Review status: no assertion criteria provided. Collection method: clinical testing. Allele origin: germline.
Comment: This variant is classified as likely benign based on ACMG/AMP sequence variant interpretation guidelines (Richards et al. 2015 PMID: 25741868, with internal and published modifications).